The following is an entry in ClinVar:

NM_000094.4(COL7A1):c.6526C>T (p.Pro2176Ser)

Gene: COL7A1 (collagen type VII alpha 1 chain; minus strand). Cytogenetic location: 3p21.31.
Variant type: single nucleotide variant.
Coding change: c.6526C>T on transcript NM_000094.4 (MANE Select); coding-DNA position 6526, C replaced by T.
Protein change: p.Pro2176Ser; replaces proline 2176 with serine.
Molecular consequence: missense variant.
Genome position (GRCh38, 1-based): chr3:48,573,866, G>A on the plus strand (C>T on the coding strand, the complement: COL7A1 is on the minus strand). VCF-style: chr3-48573866-G-A. GRCh37 (hg19) VCF-style: chr3-48611299-G-A.
Other names: short protein forms P2176S.
Identifiers: ClinVar variation 1414894 (VCV001414894.8), dbSNP rs755178152, ClinGen allele CA2378971.

ClinVar aggregate classification (germline): Uncertain significance (1 of 4 stars; one submission).

Allele frequency attached by ClinVar (database versions not stated): gnomAD exomes below 0.00001 and 0.00001; ExAC 0.00001.
gnomAD v4.1: 5 of 1,613,946 alleles (0.00031%); no homozygotes.

Submission:

Labcorp Genetics (formerly Invitae), Labcorp
Classification: Uncertain significance. Last evaluated: 2022-11-08. Review status: criteria provided, single submitter. Criteria: Invitae Variant Classification Sherloc (09022015). Collection method: clinical testing. Allele origin: germline.
Comment: This variant is present in population databases (rs755178152, gnomAD 0.009%). This sequence change replaces proline, which is neutral and non-polar, with serine, which is neutral and polar, at codon 2176 of the COL7A1 protein (p.Pro2176Ser). This variant has not been reported in the literature in individuals affected with COL7A1-related conditions. In summary, the available evidence is currently insufficient to determine the role of this variant in disease. Therefore, it has been classified as a Variant of Uncertain Significance. Advanced modeling of protein sequence and biophysical properties (such as structural, functional, and spatial information, amino acid conservation, physicochemical variation, residue mobility, and thermodynamic stability) performed at Invitae indicates that this missense variant is not expected to disrupt COL7A1 protein function. ClinVar contains an entry for this variant (Variation ID: 1414894).